The following is an entry in ClinVar:

ClinVar aggregate classification (germline): Uncertain significance (1 of 4 stars; one submission).

Conditions:
Hereditary cancer-predisposing syndrome. Also called: Hereditary Cancer Syndrome; Neoplastic Syndromes, Hereditary; Tumor predisposition; Hereditary neoplastic syndrome. Identifiers: Orphanet 140162, MedGen C0027672, MeSH D009386, MONDO:0015356.

gnomAD v4.1: 1 of 1,614,228 alleles (0.000062%); highest among the groups gnomAD compares: Non-Finnish European, 0.000085%; no homozygotes.

Submission:

Ambry Genetics
Classification: Uncertain significance for Hereditary cancer-predisposing syndrome. Last evaluated: 2026-06-24. Review status: criteria provided, single submitter. Criteria: Ambry Variant Classification Scheme 2023. Collection method: clinical testing. Allele origin: germline.
Comment: The p.L799P variant (also known as c.2396T>C), located in coding exon 20 of the EGFR gene, results from a T to C substitution at nucleotide position 2396. The leucine at codon 799 is replaced by proline, an amino acid with similar properties. This amino acid position is conserved. In addition, this alteration is predicted to be deleterious by in silico analysis. Based on the available evidence, the clinical significance of this variant remains unclear.

NM_005228.5(EGFR):c.2396T>C (p.Leu799Pro)

Genes: EGFR (epidermal growth factor receptor; plus strand), EGFR-AS1 (EGFR antisense RNA 1; minus strand). Cytogenetic location: 7p11.2.
Variant type: single nucleotide variant.
Coding change: c.2396T>C on transcript NM_005228.5 (MANE Select); coding-DNA position 2396, T replaced by C.
Protein change: p.Leu799Pro; replaces leucine 799 with proline.
Molecular consequence: missense variant. On other transcripts: non-coding transcript variant (1).
Genome position (GRCh38, 1-based): chr7:55,181,405, T>C. VCF-style: chr7-55181405-T-C. GRCh37 (hg19) VCF-style: chr7-55249098-T-C.
Other names: c.2261T>C, p.Leu754Pro (NM_001346897.2, NM_001346899.2); c.2396T>C, p.Leu799Pro (NM_001346898.2); c.2237T>C, p.Leu746Pro (NM_001346900.2); c.1595T>C, p.Leu532Pro (NM_001346941.2); short protein forms L754P, L799P, L746P, L532P.
Identifiers: ClinVar variation 5035746 (VCV005035746.1).